The following is an entry in ClinVar:

ClinVar aggregate classification (germline): Uncertain significance (1 of 4 stars; one submission).

Conditions:
Hereditary cancer-predisposing syndrome. Also called: Hereditary Cancer Syndrome; Hereditary neoplastic syndrome; Neoplastic Syndromes, Hereditary; Tumor predisposition. Identifiers: Orphanet 140162, MedGen C0027672, MeSH D009386, MONDO:0015356.

Submission:

Sema4
Classification: Uncertain significance for Hereditary cancer-predisposing syndrome. Last evaluated: 2021-10-05. Review status: criteria provided, single submitter. Criteria: Sema4 Curation Guidelines. Collection method: curation. Allele origin: germline.
Comment: The APC c.5869G>A (p.E1957K) variant has not been reported in the literature to our knowledge. This variant is not reported in the population database Genome Aggregation Database (PMID: 32461654). The variant has not been reported in ClinVar. Functional studies have not been performed, and in silico predictions of the variant's effect on protein function are inconclusive. The evidence is insufficient to meet ACMG/AMP criteria for classifying the variant as benign or pathogenic. Thus, the clinical significance of this variant is currently uncertain.

NM_000038.6(APC):c.5869G>A (p.Glu1957Lys)

Gene: APC (APC regulator of Wnt signaling pathway; plus strand). Cytogenetic location: 5q22.2.
Variant type: single nucleotide variant.
Coding change: c.5869G>A on transcript NM_000038.6 (MANE Select); coding-DNA position 5869, G replaced by A.
Protein change: p.Glu1957Lys; replaces glutamic acid 1957 with lysine.
Molecular consequence: missense variant.
Genome position (GRCh38, 1-based): chr5:112,841,463, G>A. VCF-style: chr5-112841463-G-A. GRCh37 (hg19) VCF-style: chr5-112177160-G-A.
Other names: c.5869G>A, p.Glu1957Lys (NM_001127510.3, NM_001354895.2); c.5815G>A, p.Glu1939Lys (NM_001127511.3); c.5923G>A, p.Glu1975Lys (NM_001354896.2); c.5899G>A, p.Glu1967Lys (NM_001354897.2); c.5794G>A, p.Glu1932Lys (NM_001354898.2); c.5785G>A, p.Glu1929Lys (NM_001354899.2); c.5746G>A, p.Glu1916Lys (NM_001354900.2); c.5692G>A, p.Glu1898Lys (NM_001354901.2); and 5 more; short protein forms E1674K, E1797K, E1831K, E1856K, E1866K, E1898K, E1916K, E1929K.
Identifiers: ClinVar variation 1692258 (VCV001692258.1), dbSNP rs2149951388, ClinGen allele CA16034170.